The following is an entry in ClinVar:

ClinVar aggregate classification (germline): Likely benign. Review status: criteria provided, single submitter (1 of 4 stars). 2 submissions from 2 submitters: Likely benign (1). 1 of the submissions does not count toward it. Last evaluated 2025-04-30.

Conditions:
NCAPG2-related disorder. Also called: NCAPG2-related condition.

Allele frequency attached by ClinVar (database versions not stated): 1000 Genomes Project 0.00200; 1000 Genomes Project 30x 0.00172; ExAC 0.00097; TOPMed 0.00108; ESP Exome Variant Server 0.00076; gnomAD 0.00107; gnomAD exomes 0.00167.
gnomAD v4.1: 2,558 of 1,600,778 alleles (0.16%); highest among the groups gnomAD compares: Non-Finnish European, 0.2%; no homozygotes.

Submissions (2):

Women's Health and Genetics/Laboratory Corporation of America, LabCorp
Classification: Likely benign. Last evaluated: 2025-04-30. Review status: criteria provided, single submitter. Criteria: LabCorp Variant Classification Summary - May 2015. Collection method: clinical testing. Allele origin: germline.

PreventionGenetics, part of Exact Sciences
Classification: Likely benign for NCAPG2-related condition. Last evaluated: 2019-12-18. Review status: no assertion criteria provided. Collection method: clinical testing. Allele origin: germline. Not counted in ClinVar's aggregate classification.
Comment: This variant is classified as likely benign based on ACMG/AMP sequence variant interpretation guidelines (Richards et al. 2015 PMID: 25741868, with internal and published modifications).

NM_017760.7(NCAPG2):c.79-4A>G

Gene: NCAPG2 (non-SMC condensin II complex subunit G2; minus strand). Cytogenetic location: 7q36.3.
Variant type: single nucleotide variant.
Coding change: c.79-4A>G on transcript NM_017760.7 (MANE Select); 4 bases into the intron before coding-DNA position 79, A replaced by G.
Molecular consequence: intron variant.
Genome position (GRCh38, 1-based): chr7:158,693,501, T>C on the plus strand (A>G on the coding strand, the complement: NCAPG2 is on the minus strand). VCF-style: chr7-158693501-T-C. GRCh37 (hg19) VCF-style: chr7-158486193-T-C.
Other names: c.79-4A>G (NM_001281932.2, NM_001281933.2, NM_001281933.1).
Identifiers: ClinVar variation 2501226 (VCV002501226.5), dbSNP rs76593772, ClinGen allele CA4593213.
Genomic context (GRCh38, chr7:158,693,501, plus strand): 5'-TTTCCTTGATAATTCATCTAGTAATTCATTTAGGCTGAAAGGATCAGAGGCCTCTTTCTG[T>C]AACATAAATAGCAAGTGTCACATTTCAAATACAAAAAATTAATCATATCCTTTTCATAAT-3'